The following is an entry in ClinVar:

ClinVar aggregate classification (germline): Uncertain significance (1 of 4 stars; one submission).

Conditions:
Neuronopathy, distal hereditary motor, type 7A. Also called: Neuronopathy, distal hereditary motor, type viia; NEURONOPATHY, DISTAL HEREDITARY MOTOR, HARDING TYPE VIIA; NEUROPATHY, DISTAL HEREDITARY MOTOR, HARDING TYPE VIIA; Neuronopathy, distal hereditary motor, autosomal dominant 7; HARPER-YOUNG MYOPATHY; HMN VIIA. Identifiers: Orphanet 139589, MedGen C1834703, MONDO:0008024, OMIM 158580.
Congenital myasthenic syndrome 20. Also called: Myasthenic syndrome, congenital, 20, presynaptic. Identifiers: MedGen C4310694, MONDO:0014939, OMIM 617143.

Submission:

Labcorp Genetics (formerly Invitae), Labcorp
Classification: Uncertain significance for Neuronopathy, distal hereditary motor, type 7A; Congenital myasthenic syndrome 20. Last evaluated: 2024-05-09. Review status: criteria provided, single submitter. Criteria: Invitae Variant Classification Sherloc (09022015). Collection method: clinical testing. Allele origin: germline.
Comment: This sequence change replaces valine, which is neutral and non-polar, with methionine, which is neutral and non-polar, at codon 385 of the SLC5A7 protein (p.Val385Met). This variant is not present in population databases (gnomAD no frequency). This variant has not been reported in the literature in individuals affected with SLC5A7-related conditions. Advanced modeling of protein sequence and biophysical properties (such as structural, functional, and spatial information, amino acid conservation, physicochemical variation, residue mobility, and thermodynamic stability) performed at Invitae indicates that this missense variant is not expected to disrupt SLC5A7 protein function with a negative predictive value of 80%. In summary, the available evidence is currently insufficient to determine the role of this variant in disease. Therefore, it has been classified as a Variant of Uncertain Significance.

NM_021815.5(SLC5A7):c.1153G>A (p.Val385Met)

Gene: SLC5A7 (solute carrier family 5 member 7; plus strand). Cytogenetic location: 2q12.3.
Variant type: single nucleotide variant.
Coding change: c.1153G>A on transcript NM_021815.5 (MANE Select); coding-DNA position 1153, G replaced by A.
Protein change: p.Val385Met; replaces valine 385 with methionine.
Molecular consequence: missense variant.
Genome position (GRCh38, 1-based): chr2:108,010,271, G>A. VCF-style: chr2-108010271-G-A. GRCh37 (hg19) VCF-style: chr2-108626727-G-A.
Other names: c.1153G>A, p.Val385Met (NM_001305005.3); c.838G>A, p.Val280Met (NM_001305006.3); c.412G>A, p.Val138Met (NM_001305007.3); short protein forms V138M, V280M, V385M.
Identifiers: ClinVar variation 3749872 (VCV003749872.2).